The following is an entry in ClinVar:

NM_015047.3(EMC1):c.2170C>T (p.Arg724Cys)

Genes: EMC1 (ER membrane protein complex subunit 1; minus strand), EMC1-AS1 (EMC1 antisense RNA 1; plus strand). Cytogenetic location: 1p36.13.
Variant type: single nucleotide variant.
Coding change: c.2170C>T on transcript NM_015047.3 (MANE Select); coding-DNA position 2170, C replaced by T.
Protein change: p.Arg724Cys; replaces arginine 724 with cysteine.
Molecular consequence: missense variant.
Genome position (GRCh38, 1-based): chr1:19,227,345, G>A on the plus strand (C>T on the coding strand, the complement: EMC1 is on the minus strand). VCF-style: chr1-19227345-G-A. GRCh37 (hg19) VCF-style: chr1-19553839-G-A.
Other names: c.2167C>T, p.Arg723Cys (NM_001271427.2, NM_001271428.2); c.2104C>T, p.Arg702Cys (NM_001271429.2); c.2179C>T, p.Arg727Cys (NM_001375820.1); c.2176C>T, p.Arg726Cys (NM_001375821.1); short protein forms R727C, R724C, R726C, R702C, R723C.
Identifiers: ClinVar variation 1958132 (VCV001958132.5), dbSNP rs777786640, ClinGen allele CA652379.
Genomic context (GRCh38, chr1:19,227,345, plus strand): 5'-TGTAGACCAGACAGCTGGCTGTATGTACCTTGTAGAGCACACTGCGGTCCCCCATCACAC[G>A]GCCCTGGGAATGAACGTGCTCACTGCTGCGTTTCCCCTTCACCTTGACGATCCGCTGTAC-3'
Protein context (NP_055862.1, residues 714-734): RSSEHVHSQG[Arg724Cys]VMGDRSVLYK

ClinVar aggregate classification (germline): Uncertain significance (1 of 4 stars; one submission).

Allele frequency attached by ClinVar (database versions not stated): gnomAD 0.00001; ExAC 0.00002; gnomAD exomes 0.00002.
gnomAD v4.1: 31 of 1,613,978 alleles (0.0019%); highest among the groups gnomAD compares: Non-Finnish European, 0.0024%; no homozygotes.

Submission:

Labcorp Genetics (formerly Invitae), Labcorp
Classification: Uncertain significance. Last evaluated: 2024-05-15. Review status: criteria provided, single submitter. Criteria: Invitae Variant Classification Sherloc (09022015). Collection method: clinical testing. Allele origin: germline.
Comment: This sequence change replaces arginine, which is basic and polar, with cysteine, which is neutral and slightly polar, at codon 724 of the EMC1 protein (p.Arg724Cys). This variant is present in population databases (rs777786640, gnomAD 0.006%). This variant has not been reported in the literature in individuals affected with EMC1-related conditions. ClinVar contains an entry for this variant (Variation ID: 1958132). Advanced modeling of protein sequence and biophysical properties (such as structural, functional, and spatial information, amino acid conservation, physicochemical variation, residue mobility, and thermodynamic stability) performed at Invitae indicates that this missense variant is expected to disrupt EMC1 protein function with a positive predictive value of 80%. In summary, the available evidence is currently insufficient to determine the role of this variant in disease. Therefore, it has been classified as a Variant of Uncertain Significance.